The following is an entry in ClinVar:

NM_004700.4(KCNQ4):c.1041+1G>A

Gene: KCNQ4 (potassium voltage-gated channel subfamily Q member 4; plus strand). Cytogenetic location: 1p34.2.
Variant type: single nucleotide variant.
Coding change: c.1041+1G>A on transcript NM_004700.4 (MANE Select); the canonical splice donor site of the intron after coding-DNA position 1041, G replaced by A.
Molecular consequence: splice donor variant.
Genome position (GRCh38, 1-based): chr1:40,820,261, G>A. VCF-style: chr1-40820261-G-A. GRCh37 (hg19) VCF-style: chr1-41285933-G-A.
Other names: c.1041+1G>A (NM_172163.3).
Identifiers: ClinVar variation 951928 (VCV000951928.8), dbSNP rs1648248318, ClinGen allele CA339896544.

ClinVar aggregate classification (germline): Likely pathogenic (1 of 4 stars; one submission).

Submission:

Labcorp Genetics (formerly Invitae), Labcorp
Classification: Likely pathogenic. Last evaluated: 2019-06-10. Review status: criteria provided, single submitter. Criteria: Invitae Variant Classification Sherloc (09022015). Collection method: clinical testing. Allele origin: germline.
Comment: In summary, the currently available evidence indicates that the variant is pathogenic, but additional data are needed to prove that conclusively. Therefore, this variant has been classified as Likely Pathogenic. Donor and acceptor splice site variants typically lead to a loss of protein function (PMID: 16199547), and loss-of-function variants in KCNQ4 are known to be pathogenic (PMID: 23717403). This variant has not been reported in the literature in individuals with KCNQ4-related conditions. This variant is not present in population databases (ExAC no frequency). This sequence change affects a donor splice site in intron 7 of the KCNQ4 gene. It is expected to disrupt RNA splicing and likely results in an absent or disrupted protein product.

Literature cited by the submitters: PubMed 16199547; PubMed 23717403.